The following is an entry in ClinVar:

NM_016222.4(DDX41):c.113C>T (p.Pro38Leu)

Gene: DDX41 (DEAD-box helicase 41; minus strand). Cytogenetic location: 5q35.3.
Variant type: single nucleotide variant.
Coding change: c.113C>T on transcript NM_016222.4 (MANE Select); coding-DNA position 113, C replaced by T.
Protein change: p.Pro38Leu; replaces proline 38 with leucine.
Molecular consequence: missense variant. On other transcripts: 5 prime UTR variant (2).
Genome position (GRCh38, 1-based): chr5:177,516,750, G>A on the plus strand (C>T on the coding strand, the complement: DDX41 is on the minus strand). VCF-style: chr5-177516750-G-A. GRCh37 (hg19) VCF-style: chr5-176943751-G-A.
Other names: c.-543C>T (NM_001321732.2); c.-335C>T (NM_001321830.2); c.113C>T (NM_016222.2); short protein forms P38L.
Identifiers: ClinVar variation 2188640 (VCV002188640.5), dbSNP rs11555633, ClinGen allele CA3585376.

ClinVar aggregate classification (germline): Uncertain significance. Review status: criteria provided, multiple submitters, no conflicts (2 of 4 stars). 2 submissions from 2 submitters: Uncertain significance (2). Last evaluated 2025-03-30.

Conditions:
Inborn genetic diseases. Identifiers: MedGen C0950123, MeSH D030342.

Allele frequency attached by ClinVar (database versions not stated): ESP Exome Variant Server 0.00023.

Submissions (2):

Labcorp Genetics (formerly Invitae), Labcorp
Classification: Uncertain significance. Last evaluated: 2025-03-30. Review status: criteria provided, single submitter. Criteria: Invitae Variant Classification Sherloc (09022015). Collection method: clinical testing. Allele origin: germline.
Comment: This sequence change replaces proline, which is neutral and non-polar, with leucine, which is neutral and non-polar, at codon 38 of the DDX41 protein (p.Pro38Leu). This variant is present in population databases (rs11555633, gnomAD 0.006%). This missense change has been observed in individual(s) with myeloid malignancies (PMID: 35443031, 37506341, 37665752). ClinVar contains an entry for this variant (Variation ID: 2188640). An algorithm developed to predict the effect of missense changes on protein structure and function (PolyPhen-2) suggests that this variant is likely to be disruptive. In summary, the available evidence is currently insufficient to determine the role of this variant in disease. Therefore, it has been classified as a Variant of Uncertain Significance.

Ambry Genetics
Classification: Uncertain significance for Inborn genetic diseases. Last evaluated: 2024-12-03. Review status: criteria provided, single submitter. Criteria: Ambry Variant Classification Scheme 2023. Collection method: clinical testing. Allele origin: germline.
Comment: The p.P38L variant (also known as c.113C>T), located in coding exon 2 of the DDX41 gene, results from a C to T substitution at nucleotide position 113. The proline at codon 38 is replaced by leucine, an amino acid with similar properties. This amino acid position is highly conserved in available vertebrate species. In addition, the in silico prediction for this alteration is inconclusive. Based on the available evidence, the clinical significance of this variant remains unclear.

Literature cited by the submitters: PubMed 35443031 (cited by Labcorp Genetics (formerly Invitae), Labcorp); PubMed 37506341 (cited by Labcorp Genetics (formerly Invitae), Labcorp); PubMed 37665752 (cited by Labcorp Genetics (formerly Invitae), Labcorp).